The following is an entry in ClinVar:

NM_002249.6(KCNN3):c.1987C>G (p.Leu663Val)

Gene: KCNN3 (potassium calcium-activated channel subfamily N member 3; minus strand). Cytogenetic location: 1q21.3.
Variant type: single nucleotide variant.
Coding change: c.1987C>G on transcript NM_002249.6 (MANE Select); coding-DNA position 1987, C replaced by G.
Protein change: p.Leu663Val; replaces leucine 663 with valine.
Molecular consequence: missense variant.
Genome position (GRCh38, 1-based): chr1:154,708,185, G>C on the plus strand (C>G on the coding strand, the complement: KCNN3 is on the minus strand). VCF-style: chr1-154708185-G-C. GRCh37 (hg19) VCF-style: chr1-154680661-G-C.
Other names: c.2032C>G, p.Leu678Val (NM_001204087.2); c.1093C>G, p.Leu365Val (NM_001365837.1); c.1048C>G, p.Leu350Val (NM_001365838.1); c.1072C>G, p.Leu358Val (NM_170782.3); short protein forms L678V, L365V, L663V, L350V, L358V.
Identifiers: ClinVar variation 5009806 (VCV005009806.1).

ClinVar aggregate classification (germline): Uncertain significance (1 of 4 stars; one submission).

gnomAD v4.1: 7 of 1,613,772 alleles (0.00043%); highest among the groups gnomAD compares: Non-Finnish European, 0.00059%; no homozygotes.

Submission:

GeneDx
Classification: Uncertain significance. Last evaluated: 2026-02-19. Review status: criteria provided, single submitter. Criteria: GeneDx Variant Classification Process June 2021. Collection method: clinical testing. Allele origin: germline.
Comment: Not observed at significant frequency in large population cohorts (gnomAD); In silico analysis suggests that this missense variant does not alter protein structure/function; Has not been previously published as pathogenic or benign to our knowledge